The following is an entry in ClinVar:

ClinVar aggregate classification (germline): Uncertain significance (1 of 4 stars; one submission).

gnomAD v4.1: 423 of 1,612,044 alleles (0.026%); highest among the groups gnomAD compares: Non-Finnish European, 0.035%; no homozygotes.

Submission:

GeneDx
Classification: Uncertain significance. Last evaluated: 2026-02-04. Review status: criteria provided, single submitter. Criteria: GeneDx Variant Classification Process June 2021. Collection method: clinical testing. Allele origin: germline.
Comment: In silico analysis suggests that this missense variant does not alter protein structure/function; Has not been previously published as pathogenic or benign to our knowledge

NM_004713.6(NEMF):c.251G>A (p.Ser84Asn)

Gene: NEMF (nuclear export mediator factor; minus strand). Cytogenetic location: 14q21.3.
Variant type: single nucleotide variant.
Coding change: c.251G>A on transcript NM_004713.6 (MANE Select); coding-DNA position 251, G replaced by A.
Protein change: p.Ser84Asn; replaces serine 84 with asparagine.
Molecular consequence: missense variant.
Genome position (GRCh38, 1-based): chr14:49,846,246, C>T on the plus strand (G>A on the coding strand, the complement: NEMF is on the minus strand). VCF-style: chr14-49846246-C-T. GRCh37 (hg19) VCF-style: chr14-50312964-C-T.
Other names: c.251G>A, p.Ser84Asn (NM_001301732.3); short protein forms S84N.
Identifiers: ClinVar variation 4975574 (VCV004975574.1).